The following is an entry in ClinVar:

NM_000257.4(MYH7):c.12G>A (p.Ser4=)

Gene: MYH7 (myosin heavy chain 7; minus strand). Cytogenetic location: 14q11.2.
Variant type: single nucleotide variant.
Coding change: c.12G>A on transcript NM_000257.4 (MANE Select); coding-DNA position 12, G replaced by A.
Protein change: p.Ser4=; no amino-acid change (serine 4 retained).
Molecular consequence: synonymous variant.
Genome position (GRCh38, 1-based): chr14:23,433,721, C>T on the plus strand (G>A on the coding strand, the complement: MYH7 is on the minus strand). VCF-style: chr14-23433721-C-T. GRCh37 (hg19) VCF-style: chr14-23902930-C-T.
Identifiers: ClinVar variation 178085 (VCV000178085.63), dbSNP rs45561941, ClinGen allele CA010494.

ClinVar aggregate classification (germline): Benign/Likely benign. Review status: criteria provided, multiple submitters, no conflicts (2 of 4 stars). 10 submissions from 10 submitters: Benign (1); Likely benign (9). Last evaluated 2026-01-26.

Conditions:
Cardiovascular phenotype. Identifiers: MedGen CN230736.
Cardiomyopathy (CMYO). Also called: Cardiomyopathies. Identifiers: Orphanet 167848, MedGen C0878544, MONDO:0004994, HP:0001638. Inheritance: Various modes of inheritance.
Hypertrophic cardiomyopathy. Also called: HYPERTROPHIC MYOCARDIOPATHY. Identifiers: Orphanet 217569, MedGen C0007194, MeSH D002312, MONDO:0005045, HP:0001639.

Allele frequency attached by ClinVar (database versions not stated): gnomAD 0.00004 and 0.00005; gnomAD exomes 0.00004 and 0.00008; TOPMed 0.00007; ExAC 0.00010; 1000 Genomes Project 30x 0.00031; 1000 Genomes Project 0.00040.
gnomAD v4.1: 72 of 1,614,038 alleles (0.0045%); highest among the groups gnomAD compares: African/African-American, 0.008%; no homozygotes.

Submissions (10):

Labcorp Genetics (formerly Invitae), Labcorp
Classification: Likely benign for Hypertrophic cardiomyopathy. Last evaluated: 2026-01-26. Review status: criteria provided, single submitter. Criteria: Invitae Variant Classification Sherloc (09022015). Collection method: clinical testing. Allele origin: germline.

CeGaT Center for Human Genetics Tuebingen
Classification: Likely benign. Last evaluated: 2025-10-01. Review status: criteria provided, single submitter. Criteria: CeGaT Center For Human Genetics Tuebingen Variant Classification Criteria Version 2. Collection method: clinical testing. Allele origin: germline. Affected: yes. Observed: 3 variant alleles.
Comment: MYH7: BP4, BP7

Blueprint Genetics
Classification: Likely benign. Last evaluated: 2024-10-30. Review status: criteria provided, single submitter. Criteria: ACMG Guidelines, 2015. Collection method: clinical testing. Allele origin: germline.

All of Us Research Program, National Institutes of Health
Classification: Likely benign for Cardiomyopathy. Last evaluated: 2023-12-18. Review status: criteria provided, single submitter. Criteria: ACMG Guidelines, 2015. Collection method: clinical testing. Allele origin: germline. Inheritance: Autosomal dominant inheritance. Observed: 19 variant alleles, 19 heterozygotes.
Comment: This study involves interpretation of variants in research participants for the purpose of population health screening. Participant phenotype was not available at the time of variant classification. Additional details can be found in publication PMID: 35346344, PMCID: PMC8962531

ARUP Laboratories, Molecular Genetics and Genomics, ARUP Laboratories
Classification: Likely benign. Last evaluated: 2022-09-13. Review status: criteria provided, single submitter. Criteria: ARUP Molecular Germline Variant Investigation Process 2021. Collection method: clinical testing. Allele origin: germline.

Women's Health and Genetics/Laboratory Corporation of America, LabCorp
Classification: Likely benign. Last evaluated: 2019-12-14. Review status: criteria provided, single submitter. Criteria: LabCorp Variant Classification Summary - May 2015. Collection method: clinical testing. Allele origin: germline.

Ambry Genetics
Classification: Likely benign for Cardiovascular phenotype. Last evaluated: 2019-02-07. Review status: criteria provided, single submitter. Criteria: Ambry Variant Classification Scheme 2023. Collection method: clinical testing. Allele origin: germline.

Color Diagnostics, LLC DBA Color Health
Classification: Likely benign for Cardiomyopathy. Last evaluated: 2018-11-08. Review status: criteria provided, single submitter. Criteria: ACMG Guidelines, 2015. Collection method: clinical testing. Allele origin: germline.

GeneDx
Classification: Benign. Last evaluated: 2015-03-03. Review status: criteria provided, single submitter. Criteria: GeneDx Variant Classification Process June 2021. Collection method: clinical testing. Allele origin: germline. Affected: yes.

Laboratory for Molecular Medicine, Mass General Brigham Personalized Medicine
Classification: Likely benign. Last evaluated: 2012-03-19. Review status: criteria provided, single submitter. Criteria: LMM Criteria. Collection method: clinical testing. Allele origin: germline. Observed: 1 variant allele.
Comment: p.Ser4Ser in Exon 03 of MYH7: This variant is not expected to have clinical sign ificance because it does not alter an amino acid residue, is not located within the splice consensus sequence. It has been identified in 0.3% (1/356) of chromos omes from a population in the dbSNP database (ts/SNP; rs45561941).